The following is an entry in ClinVar:

ClinVar aggregate classification (germline): Uncertain significance. Review status: criteria provided, multiple submitters, no conflicts (2 of 4 stars). 2 submissions from 2 submitters: Uncertain significance (2). Last evaluated 2025-11-07.

Conditions:
Hereditary nonpolyposis colorectal neoplasms. Identifiers: MedGen C0009405, MeSH D003123.

Submissions (2):

Women's Health and Genetics/Laboratory Corporation of America, LabCorp
Classification: Uncertain significance. Last evaluated: 2025-11-07. Review status: criteria provided, single submitter. Criteria: LabCorp Variant Classification Summary - May 2015. Collection method: clinical testing. Allele origin: germline.

Labcorp Genetics (formerly Invitae), Labcorp
Classification: Uncertain significance for Hereditary nonpolyposis colorectal neoplasms. Last evaluated: 2019-06-04. Review status: criteria provided, single submitter. Criteria: Invitae Variant Classification Sherloc (09022015). Collection method: clinical testing. Allele origin: germline.
Comment: Algorithms developed to predict the effect of missense changes on protein structure and function (SIFT, PolyPhen-2, Align-GVGD) all suggest that this variant is likely to be disruptive, but these predictions have not been confirmed by published functional studies and their clinical significance is uncertain. In summary, the available evidence is currently insufficient to determine the role of this variant in disease. Therefore, it has been classified as a Variant of Uncertain Significance. This variant has not been reported in the literature in individuals with MSH6-related conditions. This variant is not present in population databases (ExAC no frequency). This sequence change replaces tyrosine with cysteine at codon 505 of the MSH6 protein (p.Tyr505Cys). The tyrosine residue is weakly conserved and there is a large physicochemical difference between tyrosine and cysteine.

NM_000179.3(MSH6):c.1514A>G (p.Tyr505Cys)

Gene: MSH6 (mutS homolog 6; plus strand). Cytogenetic location: 2p16.3.
Variant type: single nucleotide variant.
Coding change: c.1514A>G on transcript NM_000179.3 (MANE Select); coding-DNA position 1514, A replaced by G.
Protein change: p.Tyr505Cys; replaces tyrosine 505 with cysteine.
Molecular consequence: missense variant.
Genome position (GRCh38, 1-based): chr2:47,799,497, A>G. VCF-style: chr2-47799497-A-G. GRCh37 (hg19) VCF-style: chr2-48026636-A-G.
Other names: c.1124A>G, p.Tyr375Cys (NM_001281492.2); c.608A>G, p.Tyr203Cys (NM_001281493.2, NM_001281494.2); short protein forms Y203C, Y505C, Y375C.
Identifiers: ClinVar variation 853872 (VCV000853872.11), dbSNP rs1669340655, ClinGen allele CA346746315.